The following is an entry in ClinVar:

ClinVar aggregate classification (germline): Benign. Review status: criteria provided, single submitter (1 of 4 stars). 2 submissions from 2 submitters: Benign (1). 1 of the submissions does not count toward it. Last evaluated 2023-12-05.

Conditions:
FAM111B-related disorder. Also called: FAM111B-related condition.

Allele frequency attached by ClinVar (database versions not stated): 1000 Genomes Project 30x 0.00468; ESP Exome Variant Server 0.00555; ExAC 0.00135; gnomAD 0.00462; gnomAD exomes 0.00044; 1000 Genomes Project 0.00399; TOPMed 0.00485.
gnomAD v4.1: 1,369 of 1,613,878 alleles (0.085%); highest among the groups gnomAD compares: African/African-American, 1.6%; 15 homozygotes.

Submissions (2):

Mayo Clinic Laboratories, Mayo Clinic
Classification: Benign. Last evaluated: 2023-12-05. Review status: criteria provided, single submitter. Criteria: ACMG Guidelines, 2015. Collection method: clinical testing. Allele origin: germline. Observed: 2 variant alleles.
Comment: BS1, BS2, BP4, BP7

PreventionGenetics, part of Exact Sciences
Classification: Benign for FAM111B-related condition. Last evaluated: 2019-05-04. Review status: no assertion criteria provided. Collection method: clinical testing. Allele origin: germline. Not counted in ClinVar's aggregate classification.
Comment: This variant is classified as benign based on ACMG/AMP sequence variant interpretation guidelines (Richards et al. 2015 PMID: 25741868, with internal and published modifications).

NM_198947.4(FAM111B):c.1023A>G (p.Thr341=)

Gene: FAM111B (FAM111 trypsin like peptidase B; plus strand). Cytogenetic location: 11q12.1.
Variant type: single nucleotide variant.
Coding change: c.1023A>G on transcript NM_198947.4 (MANE Select); coding-DNA position 1023, A replaced by G.
Protein change: p.Thr341=; no amino-acid change (threonine 341 retained).
Molecular consequence: synonymous variant.
Genome position (GRCh38, 1-based): chr11:59,125,120, A>G. VCF-style: chr11-59125120-A-G. GRCh37 (hg19) VCF-style: chr11-58892593-A-G.
Other names: p.Thr341=; c.933A>G, p.Thr311= (NM_001142703.2, NM_001142704.2).
Identifiers: ClinVar variation 3037624 (VCV003037624.3), dbSNP rs138673535, ClinGen allele CA6016247.